The following is an entry in ClinVar:

ClinVar aggregate classification (germline): Likely benign. Review status: reviewed by expert panel (3 of 4 stars). 2 submissions from 2 submitters: Likely benign (1). 1 of the submissions does not count toward it. Last evaluated 2024-11-04.

Conditions:
Hereditary thrombocytopenia and hematologic cancer predisposition syndrome. Identifiers: Orphanet 71290, MedGen CN281654, MONDO:0011071.
Hereditary thrombocytopenia and hematological cancer predisposition syndrome associated with RUNX1. Also called: Familial Platelet Disorder with Propensity to Acute Myelogenous Leukemia; Familial thrombocytopenia with propensity to acute myelogenous leukemia; PLATELET DISORDER, ASPIRIN-LIKE; RUNX1 Familial Platelet Disorder with Associated Myeloid Malignancies. Identifiers: Orphanet 71290, MedGen C1832388, MeSH C563324, MONDO:0100083, OMIM 601399.

Allele frequency attached by ClinVar (database versions not stated): gnomAD 0.00001.
gnomAD v4.1: 3 of 1,557,154 alleles (0.00019%); highest among the groups gnomAD compares: African/African-American, 0.0027%; no homozygotes.

Submissions (2):

ClinGen Myeloid Malignancy Variant Curation Expert Panel
Classification: Likely benign for Hereditary thrombocytopenia and hematologic cancer predisposition syndrome. Last evaluated: 2024-11-04. Review status: reviewed by expert panel. Criteria: ClinGen MyeloMalig ACMG Specifications v2. Collection method: curation. Allele origin: germline. Inheritance: Autosomal dominant inheritance.
Comment: NM_001754.5(RUNX1):c.614-18C>T is an intronic variant has a SpliceAI score ≤ 0.20 (0.0) (BP4). This variant has a SpliceAI score ≤ 0.20 (0.0) and evolutionary conservation prediction algorithms predict the site as not being conserved (PhyloP score ≤ 2.0 (0.16) (BP7). In summary, this variant meets criteria to be classified as likely benign. ACMG/AMP criteria applied, as specified by the Myeloid Malignancy Variant Curation Expert Panel for RUNX1: BP4, BP7.

Labcorp Genetics (formerly Invitae), Labcorp
Classification: Likely benign for Hereditary thrombocytopenia and hematological cancer predisposition syndrome associated with RUNX1. Last evaluated: 2023-09-11. Review status: criteria provided, single submitter. Criteria: Invitae Variant Classification Sherloc (09022015). Collection method: clinical testing. Allele origin: germline. Not counted in ClinVar's aggregate classification.

NM_001754.5(RUNX1):c.614-18C>T

Gene: RUNX1 (RUNX family transcription factor 1; minus strand). Cytogenetic location: 21q22.12.
Variant type: single nucleotide variant.
Coding change: c.614-18C>T on transcript NM_001754.5 (MANE Select); 18 bases into the intron before coding-DNA position 614, C replaced by T.
Molecular consequence: intron variant.
Genome position (GRCh38, 1-based): chr21:34,834,619, G>A on the plus strand (C>T on the coding strand, the complement: RUNX1 is on the minus strand). VCF-style: chr21-34834619-G-A. GRCh37 (hg19) VCF-style: chr21-36206916-G-A.
Other names: c.533-18C>T (NM_001001890.3, NM_001122607.2).
Identifiers: ClinVar variation 2184429 (VCV002184429.5), dbSNP rs1261174356, ClinGen allele CA638054528.